The following is an entry in ClinVar:

ClinVar aggregate classification (germline): Uncertain significance (1 of 4 stars; one submission).

Conditions:
Autosomal dominant childhood-onset proximal spinal muscular atrophy with contractures (SMALED2A). Also called: Spinal muscular atrophy, lower extremity-predominant, 2A, autosomal dominant; SPINAL MUSCULAR ATROPHY, LOWER EXTREMITY-PREDOMINANT, 2A, CHILDHOOD ONSET, AUTOSOMAL DOMINANT. Identifiers: Orphanet 363447, Orphanet 363454, MedGen C4747715, MONDO:0014121, OMIM 615290.

Submission:

Labcorp Genetics (formerly Invitae), Labcorp
Classification: Uncertain significance for Autosomal dominant childhood-onset proximal spinal muscular atrophy with contractures. Last evaluated: 2023-02-13. Review status: criteria provided, single submitter. Criteria: Invitae Variant Classification Sherloc (09022015). Collection method: clinical testing. Allele origin: germline.
Comment: In summary, the available evidence is currently insufficient to determine the role of this variant in disease. Therefore, it has been classified as a Variant of Uncertain Significance. This variant has not been reported in the literature in individuals affected with BICD2-related conditions. This variant is not present in population databases (gnomAD no frequency). This variant, c.35_52dup, results in the insertion of 6 amino acid(s) of the BICD2 protein (p.Arg12_Ala17dup), but otherwise preserves the integrity of the reading frame.

NM_001003800.2(BICD2):c.35_52dup (p.Ala17_Gln18insArgLeuValMetGluAla)

Gene: BICD2 (BICD cargo adaptor 2; minus strand). Cytogenetic location: 9q22.31.
Variant type: Duplication.
Coding change: c.35_52dup on transcript NM_001003800.2 (MANE Select); coding-DNA positions 35 to 52, 18 bases duplicated (GGCTGGTGATGGAGGCGC).
Protein change: p.Ala17_Gln18insArgLeuValMetGluAla.
Molecular consequence: inframe insertion.
Genome position (GRCh38, 1-based): chr9:92,764,693-92,764,710, GCGCCTCCATCACCAGCC duplicated on the plus strand (GGCTGGTGATGGAGGCGC on the coding strand, the reverse complement: BICD2 is on the minus strand); duplicating any 18 consecutive bases within chr9:92,764,693-92,764,714 gives the same sequence; the c. name uses the placement nearest the transcript's 3' end. VCF-style (leftmost placement, unchanged base first): chr9-92764692-T-TGCGCCTCCATCACCAGCC. GRCh37 (hg19) VCF-style: chr9-95526974-T-TGCGCCTCCATCACCAGCC.
Other names: c.35_52dup, p.Ala17_Gln18insArgLeuValMetGluAla (NM_015250.4).
Identifiers: ClinVar variation 2739042 (VCV002739042.3), dbSNP rs2537622378, ClinGen allele CA2697557841.